The following is an entry in ClinVar:

ClinVar aggregate classification (germline): Uncertain significance (1 of 4 stars; one submission).

Submission:

Labcorp Genetics (formerly Invitae), Labcorp
Classification: Uncertain significance. Last evaluated: 2025-04-14. Review status: criteria provided, single submitter. Criteria: Invitae Variant Classification Sherloc (09022015). Collection method: clinical testing. Allele origin: germline.
Comment: This sequence change falls in intron 40 of the SNRNP200 gene. It does not directly change the encoded amino acid sequence of the SNRNP200 protein. It affects a nucleotide within the consensus splice site. This variant is not present in population databases (gnomAD no frequency). This variant has not been reported in the literature in individuals affected with SNRNP200-related conditions. Variants that disrupt the consensus splice site are a relatively common cause of aberrant splicing (PMID: 17576681, 9536098). Algorithms developed to predict the effect of sequence changes on RNA splicing suggest that this variant is not likely to affect RNA splicing. In summary, the available evidence is currently insufficient to determine the role of this variant in disease. Therefore, it has been classified as a Variant of Uncertain Significance.

Literature cited by the submitters: PubMed 17576681; PubMed 9536098.

NM_014014.5(SNRNP200):c.5754+5A>C

Gene: SNRNP200 (small nuclear ribonucleoprotein U5 subunit 200; minus strand). Cytogenetic location: 2q11.2.
Variant type: single nucleotide variant.
Coding change: c.5754+5A>C on transcript NM_014014.5 (MANE Select); 5 bases into the intron after coding-DNA position 5754, A replaced by C.
Molecular consequence: intron variant.
Genome position (GRCh38, 1-based): chr2:96,277,802, T>G on the plus strand (A>C on the coding strand, the complement: SNRNP200 is on the minus strand). VCF-style: chr2-96277802-T-G. GRCh37 (hg19) VCF-style: chr2-96943540-T-G.
Identifiers: ClinVar variation 4715418 (VCV004715418.1).
Genomic context (GRCh38, chr2:96,277,802, plus strand): 5'-GGGCGGAGTTGGAGCTGAGATGTTTAGAGCACCACTGACCCCTCTGCCCCACACCCACAC[T>G]CTACCTTACTAAGGATTTCCTCCGTATCTGACTGCAACTCAGCACTCAGCTGCATGCGAG-3'